The following is an entry in ClinVar:

NM_006517.5(SLC16A2):c.46C>T (p.Gln16Ter)

Gene: SLC16A2 (solute carrier family 16 member 2; plus strand). Cytogenetic location: Xq13.2.
Variant type: single nucleotide variant.
Coding change: c.46C>T on transcript NM_006517.5 (MANE Select); coding-DNA position 46, C replaced by T.
Protein change: p.Gln16Ter; replaces glutamine 16 with a stop codon.
Molecular consequence: nonsense.
Genome position (GRCh38, 1-based): chrX:74,421,683, C>T. VCF-style: chrX-74421683-C-T. GRCh37 (hg19) VCF-style: chrX-73641518-C-T.
Other names: short protein forms Q16*.
Identifiers: ClinVar variation 597045 (VCV000597045.12), dbSNP rs1569280986, ClinGen allele CA413655656.

ClinVar aggregate classification (germline): Pathogenic. Review status: criteria provided, multiple submitters, no conflicts (2 of 4 stars). 2 submissions from 2 submitters: Pathogenic (2). Last evaluated 2021-04-23.

Conditions:
Spastic paraplegia. Identifiers: MedGen C0037772, HP:0001258.

Submissions (2):

Labcorp Genetics (formerly Invitae), Labcorp
Classification: Pathogenic for Spastic paraplegia. Last evaluated: 2021-04-23. Review status: criteria provided, single submitter. Criteria: Invitae Variant Classification Sherloc (09022015). Collection method: clinical testing. Allele origin: germline.
Comment: This sequence change creates a premature translational stop signal (p.Gln16*) in the SLC16A2 gene. It is expected to result in an absent or disrupted protein product. Loss-of-function variants in SLC16A2 are known to be pathogenic (PMID: 20083155, 25527620). This variant is not present in population databases (ExAC no frequency). This variant has been observed in individual(s) with Allan-Herndon-Dudley syndrome (PMID: 29714107). It has also been observed to segregate with disease in related individuals. ClinVar contains an entry for this variant (Variation ID: 597045). Algorithms developed to predict the effect of sequence changes on RNA splicing suggest that this variant may create or strengthen a splice site, but this prediction has not been confirmed by published transcriptional studies. For these reasons, this variant has been classified as Pathogenic.

Eurofins Ntd Llc (ga)
Classification: Pathogenic. Last evaluated: 2018-04-26. Review status: criteria provided, single submitter. Criteria: EGL ClinVar v180209 classification definitions. Collection method: clinical testing. Allele origin: germline.

Literature cited by the submitters: PubMed 20083155 (cited by Labcorp Genetics (formerly Invitae), Labcorp); PubMed 25527620 (cited by Labcorp Genetics (formerly Invitae), Labcorp); PubMed 29714107 (cited by Labcorp Genetics (formerly Invitae), Labcorp).